The following is an entry in ClinVar:

NM_138459.5(NUS1):c.49T>C (p.Cys17Arg)

Gene: NUS1 (NUS1 dehydrodolichyl diphosphate synthase subunit; plus strand). Cytogenetic location: 6q22.1.
Variant type: single nucleotide variant.
Coding change: c.49T>C on transcript NM_138459.5 (MANE Select); coding-DNA position 49, T replaced by C.
Protein change: p.Cys17Arg; replaces cysteine 17 with arginine.
Molecular consequence: missense variant.
Genome position (GRCh38, 1-based): chr6:117,675,719, T>C. VCF-style: chr6-117675719-T-C. GRCh37 (hg19) VCF-style: chr6-117996882-T-C.
Other names: short protein forms C17R.
Identifiers: ClinVar variation 1710687 (VCV001710687.7), dbSNP rs1245004786, ClinGen allele CA365535790.

ClinVar aggregate classification (germline): Uncertain significance. Review status: criteria provided, multiple submitters, no conflicts (2 of 4 stars). 2 submissions from 2 submitters: Uncertain significance (2). Last evaluated 2025-10-13.

Conditions:
Congenital disorder of glycosylation, type Iaa. Also called: Congenital disorder of glycosylation, type 1aa. Identifiers: MedGen C4310727, MONDO:0014904, OMIM 617082.

Allele frequency attached by ClinVar (database versions not stated): gnomAD exomes below 0.00001.
gnomAD v4.1: 2 of 1,517,486 alleles (0.00013%); highest among the groups gnomAD compares: Non-Finnish European, 0.000089%; no homozygotes.

Submissions (2):

Labcorp Genetics (formerly Invitae), Labcorp
Classification: Uncertain significance for Congenital disorder of glycosylation, type Iaa. Last evaluated: 2025-10-13. Review status: criteria provided, single submitter. Criteria: Invitae Variant Classification Sherloc (09022015). Collection method: clinical testing. Allele origin: germline.
Comment: This sequence change replaces cysteine, which is neutral and slightly polar, with arginine, which is basic and polar, at codon 17 of the NUS1 protein (p.Cys17Arg). The frequency data for this variant in the population databases is considered unreliable, as metrics indicate poor data quality at this position in the gnomAD database. This variant has not been reported in the literature in individuals affected with NUS1-related conditions. ClinVar contains an entry for this variant (Variation ID: 1710687). An algorithm developed to predict the effect of missense changes on protein structure and function (PolyPhen-2) suggests that this variant is likely to be tolerated. In summary, the available evidence is currently insufficient to determine the role of this variant in disease. Therefore, it has been classified as a Variant of Uncertain Significance.

GeneDx
Classification: Uncertain significance. Last evaluated: 2022-04-14. Review status: criteria provided, single submitter. Criteria: GeneDx Variant Classification Process June 2021. Collection method: clinical testing. Allele origin: germline. Affected: yes.
Comment: Not observed at significant frequency in large population cohorts (gnomAD); In silico analysis supports that this missense variant does not alter protein structure/function; Has not been previously published as pathogenic or benign to our knowledge